The following is an entry in ClinVar:

NM_000051.4(ATM):c.1540G>C (p.Gly514Arg)

Gene: ATM (ATM serine/threonine kinase; plus strand). Cytogenetic location: 11q22.3.
Variant type: single nucleotide variant.
Coding change: c.1540G>C on transcript NM_000051.4 (MANE Select); coding-DNA position 1540, G replaced by C.
Protein change: p.Gly514Arg; replaces glycine 514 with arginine.
Molecular consequence: missense variant.
Genome position (GRCh38, 1-based): chr11:108,251,005, G>C. VCF-style: chr11-108251005-G-C. GRCh37 (hg19) VCF-style: chr11-108121732-G-C.
Other names: c.1540G>C, p.Gly514Arg (NM_001351834.2); short protein forms G514R.
Identifiers: ClinVar variation 3675075 (VCV003675075.2).

ClinVar aggregate classification (germline): Uncertain significance (1 of 4 stars; one submission).

Conditions:
Ataxia-telangiectasia syndrome (AT). Also called: LOUIS-BAR SYNDROME; ATAXIA-TELANGIECTASIA, COMPLEMENTATION GROUP A; ATAXIA-TELANGIECTASIA, FRESNO VARIANT; Ataxia-telangiectasia, complementation group D; AT, COMPLEMENTATION GROUP C; Ataxia-telangiectasia. Identifiers: Orphanet 100, MedGen C0004135, MONDO:0008840, OMIM 208900.

Submission:

Labcorp Genetics (formerly Invitae), Labcorp
Classification: Uncertain significance for Ataxia-telangiectasia syndrome. Last evaluated: 2024-04-10. Review status: criteria provided, single submitter. Criteria: Invitae Variant Classification Sherloc (09022015). Collection method: clinical testing. Allele origin: germline.
Comment: This sequence change replaces glycine, which is neutral and non-polar, with arginine, which is basic and polar, at codon 514 of the ATM protein (p.Gly514Arg). This variant is not present in population databases (gnomAD no frequency). This variant has not been reported in the literature in individuals affected with ATM-related conditions. An algorithm developed to predict the effect of missense changes on protein structure and function (PolyPhen-2) suggests that this variant is likely to be tolerated. In summary, the available evidence is currently insufficient to determine the role of this variant in disease. Therefore, it has been classified as a Variant of Uncertain Significance.